The following is an entry in ClinVar:

ClinVar aggregate classification (germline): Benign. Review status: criteria provided, multiple submitters, no conflicts (2 of 4 stars). 5 submissions from 5 submitters: Benign (5). Last evaluated 2026-01-27.

Conditions:
Autosomal dominant striatal neurodegeneration type 1. Identifiers: Orphanet 228169, MedGen C4310808, MONDO:0012205, OMIM 609161.

Allele frequency attached by ClinVar (database versions not stated): 1000 Genomes Project 0.00339; 1000 Genomes Project 30x 0.00375; gnomAD 0.00881 and 0.00904; gnomAD exomes 0.00904 and 0.01200; ExAC 0.00943; TOPMed 0.00996; ESP Exome Variant Server 0.01038.
gnomAD v4.1: 18,763 of 1,612,902 alleles (1.2%); highest among the groups gnomAD compares: Non-Finnish European, 1.4%; 119 homozygotes.

Submissions (5):

Labcorp Genetics (formerly Invitae), Labcorp
Classification: Benign. Last evaluated: 2026-01-27. Review status: criteria provided, single submitter. Criteria: Invitae Variant Classification Sherloc (09022015). Collection method: clinical testing. Allele origin: germline.

CeGaT Center for Human Genetics Tuebingen
Classification: Benign. Last evaluated: 2025-09-01. Review status: criteria provided, single submitter. Criteria: CeGaT Center For Human Genetics Tuebingen Variant Classification Criteria Version 2. Collection method: clinical testing. Allele origin: germline. Affected: yes. Observed: 8 variant alleles.
Comment: PDE8B: BS1, BS2

Mayo Clinic Laboratories, Mayo Clinic
Classification: Benign. Last evaluated: 2023-06-20. Review status: criteria provided, single submitter. Criteria: ACMG Guidelines, 2015. Collection method: clinical testing. Allele origin: germline. Observed: 12 variant alleles.
Comment: BS1, BS2, BP4

Illumina Laboratory Services, Illumina
Classification: Benign for Autosomal dominant striatal neurodegeneration type 1. Last evaluated: 2018-01-12. Review status: criteria provided, single submitter. Criteria: ICSL Variant Classification Criteria 13 December 2019. Collection method: clinical testing. Allele origin: germline.
Comment: This variant was observed in the ICSL laboratory as part of a predisposition screen in an ostensibly healthy population. It had not been previously curated by ICSL or reported in the Human Gene Mutation Database (HGMD: prior to June 1st, 2018), and was therefore a candidate for classification through an automated scoring system. Utilizing variant allele frequency, disease prevalence and penetrance estimates, and inheritance mode, an automated score was calculated to assess if this variant is too frequent to cause the disease. Based on the score and internal cut-off values, a variant classified as benign is not then subjected to further curation. The score for this variant resulted in a classification of benign for this disease.

Breakthrough Genomics
Classification: Benign. Review status: criteria provided, single submitter. Criteria: ACMG Guidelines, 2015. Collection method: not provided. Allele origin: germline. Inheritance: Autosomal dominant inheritance. Affected: yes.

NM_003719.5(PDE8B):c.362G>A (p.Arg121His)

Gene: PDE8B (phosphodiesterase 8B; plus strand). Cytogenetic location: 5q13.3.
Variant type: single nucleotide variant.
Coding change: c.362G>A on transcript NM_003719.5 (MANE Select); coding-DNA position 362, G replaced by A.
Protein change: p.Arg121His; replaces arginine 121 with histidine.
Molecular consequence: missense variant. On other transcripts: 5 prime UTR variant (4), intron variant (3).
Genome position (GRCh38, 1-based): chr5:77,312,016, G>A. VCF-style: chr5-77312016-G-A. GRCh37 (hg19) VCF-style: chr5-76607841-G-A.
Other names: p.Arg121His; c.362G>A, p.Arg121His (NM_001029851.4, NM_001029852.4, NM_001029854.4 and 2 more transcripts); c.359G>A, p.Arg120His (NM_001349748.3, NM_001349751.3, NM_001376065.1); c.425G>A, p.Arg142His (NM_001349749.3); c.122G>A, p.Arg41His (NM_001349750.3); c.56G>A, p.Arg19His (NM_001349752.3, NM_001376071.1); c.-11G>A (NM_001349753.2, NM_001376067.1, NM_001376068.1 and 1 more transcripts); c.59G>A, p.Arg20His (NM_001376062.1, NM_001376070.1, NM_001376072.1 and 1 more transcripts); and 4 more; short protein forms R121H, R19H, R120H, R142H, R41H, R20H, R40H.
Identifiers: ClinVar variation 354149 (VCV000354149.41), dbSNP rs115599001, ClinGen allele CA3314877.